The following is an entry in ClinVar:

NM_001020658.2(PUM1):c.2108G>A (p.Ser703Asn)

Gene: PUM1 (pumilio RNA binding family member 1; minus strand). Cytogenetic location: 1p35.2.
Variant type: single nucleotide variant.
Coding change: c.2108G>A on transcript NM_001020658.2 (MANE Select); coding-DNA position 2108, G replaced by A.
Protein change: p.Ser703Asn; replaces serine 703 with asparagine.
Molecular consequence: missense variant.
Genome position (GRCh38, 1-based): chr1:30,964,889, C>T on the plus strand (G>A on the coding strand, the complement: PUM1 is on the minus strand). VCF-style: chr1-30964889-C-T. GRCh37 (hg19) VCF-style: chr1-31437736-C-T.
Other names: c.2108G>A, p.Ser703Asn (NM_014676.3); short protein forms S703N.
Identifiers: ClinVar variation 4755663 (VCV004755663.1).

ClinVar aggregate classification (germline): Uncertain significance (1 of 4 stars; one submission).

Submission:

GeneDx
Classification: Uncertain significance. Last evaluated: 2025-08-07. Review status: criteria provided, single submitter. Criteria: GeneDx Variant Classification Process June 2021. Collection method: clinical testing. Allele origin: germline. Affected: yes.
Comment: Not observed at significant frequency in large population cohorts (gnomAD); In silico analysis suggests that this missense variant does not alter protein structure/function; Has not been previously published as pathogenic or benign to our knowledge